The following is an entry in ClinVar:

NM_000051.4(ATM):c.4332G>A (p.Leu1444=)

Gene: ATM (ATM serine/threonine kinase; plus strand). Cytogenetic location: 11q22.3.
Variant type: single nucleotide variant.
Coding change: c.4332G>A on transcript NM_000051.4 (MANE Select); coding-DNA position 4332, G replaced by A.
Protein change: p.Leu1444=; no amino-acid change (leucine 1444 retained).
Molecular consequence: synonymous variant.
Genome position (GRCh38, 1-based): chr11:108,289,697, G>A. VCF-style: chr11-108289697-G-A. GRCh37 (hg19) VCF-style: chr11-108160424-G-A.
Other names: c.4332G>A, p.Leu1444= (NM_001351834.2).
Identifiers: ClinVar variation 184635 (VCV000184635.25), dbSNP rs753570046, ClinGen allele CA189525.

ClinVar aggregate classification (germline): Benign/Likely benign. Review status: criteria provided, multiple submitters, no conflicts (2 of 4 stars). 9 submissions from 9 submitters: Benign (1); Likely benign (6). 2 of the submissions do not count toward it. Last evaluated 2025-12-17.

Conditions:
Breast and/or ovarian cancer. Identifiers: MedGen CN221562.
ATM-related disorder. Also called: ATM-related disorders; ATM-related condition.
Hereditary cancer-predisposing syndrome. Also called: Tumor predisposition; Hereditary Cancer Syndrome; Hereditary neoplastic syndrome; Neoplastic Syndromes, Hereditary. Identifiers: Orphanet 140162, MedGen C0027672, MeSH D009386, MONDO:0015356.
Familial cancer of breast. Also called: BREAST CANCER, FAMILIAL; hereditary breast carcinoma; Hereditary breast cancer. Identifiers: Orphanet 227535, MedGen C0346153, MONDO:0016419, OMIM 114480. Disease mechanism: loss of function.
Ataxia-telangiectasia syndrome (AT). Also called: LOUIS-BAR SYNDROME; Cerebello-oculocutaneous telangiectasia; Immunodeficiency with ataxia telangiectasia; ATAXIA-TELANGIECTASIA, COMPLEMENTATION GROUP A; ATAXIA-TELANGIECTASIA, FRESNO VARIANT; Ataxia-telangiectasia. Identifiers: Orphanet 100, MedGen C0004135, MONDO:0008840, OMIM 208900.

Allele frequency attached by ClinVar (database versions not stated): gnomAD 0.00001 and 0.00002.
gnomAD v4.1: 39 of 1,613,408 alleles (0.0024%); highest among the groups gnomAD compares: Non-Finnish European, 0.003%; no homozygotes.

Submissions (9):

Labcorp Genetics (formerly Invitae), Labcorp
Classification: Likely benign for Ataxia-telangiectasia syndrome. Last evaluated: 2025-12-17. Review status: criteria provided, single submitter. Criteria: Invitae Variant Classification Sherloc (09022015). Collection method: clinical testing. Allele origin: germline.

Myriad Genetics, Inc.
Classification: Benign for Familial cancer of breast. Last evaluated: 2024-05-17. Review status: criteria provided, single submitter. Criteria: Myriad Autosomal Dominant, Autosomal Recessive and X-Linked Classification Criteria (2023). Collection method: clinical testing. Allele origin: unknown.
Comment: This variant is considered benign. This variant is a silent/synonymous amino acid change and it is not expected to impact splicing.

CHEO Genetics Diagnostic Laboratory, Children's Hospital of Eastern Ontario
Classification: Likely benign for Breast and/or ovarian cancer. Last evaluated: 2023-06-05. Review status: criteria provided, single submitter. Criteria: ACMG Guidelines, 2015. Collection method: clinical testing. Allele origin: germline.

Women's Health and Genetics/Laboratory Corporation of America, LabCorp
Classification: Likely benign. Last evaluated: 2019-08-20. Review status: criteria provided, single submitter. Criteria: LabCorp Variant Classification Summary - May 2015. Collection method: clinical testing. Allele origin: germline.

GeneDx
Classification: Likely benign. Last evaluated: 2018-11-28. Review status: criteria provided, single submitter. Criteria: GeneDx Variant Classification Process June 2021. Collection method: clinical testing. Allele origin: germline. Affected: yes.

Ambry Genetics
Classification: Likely benign for Hereditary cancer-predisposing syndrome. Last evaluated: 2015-10-22. Review status: criteria provided, single submitter. Criteria: Ambry Variant Classification Scheme 2023. Collection method: clinical testing. Allele origin: germline.

Color Diagnostics, LLC DBA Color Health
Classification: Likely benign for Hereditary cancer-predisposing syndrome. Last evaluated: 2015-08-11. Review status: criteria provided, single submitter. Criteria: ACMG Guidelines, 2015. Collection method: clinical testing. Allele origin: germline.

PreventionGenetics, part of Exact Sciences
Classification: Likely benign for ATM-related condition. Last evaluated: 2019-11-19. Review status: no assertion criteria provided. Collection method: clinical testing. Allele origin: germline. Not counted in ClinVar's aggregate classification.
Comment: This variant is classified as likely benign based on ACMG/AMP sequence variant interpretation guidelines (Richards et al. 2015 PMID: 25741868, with internal and published modifications).

Counsyl
Classification: Likely benign for Ataxia-telangiectasia syndrome. Last evaluated: 2017-12-18. Review status: no assertion criteria provided. Collection method: clinical testing. Allele origin: unknown. Not counted in ClinVar's aggregate classification.